The following is an entry in ClinVar:

NM_001127222.2(CACNA1A):c.1611G>A (p.Met537Ile)

Gene: CACNA1A (calcium voltage-gated channel subunit alpha1 A; minus strand). Cytogenetic location: 19p13.13.
Variant type: single nucleotide variant.
Coding change: c.1611G>A on transcript NM_001127222.2 (MANE Select); coding-DNA position 1611, G replaced by A.
Protein change: p.Met537Ile; replaces methionine 537 with isoleucine.
Molecular consequence: missense variant.
Genome position (GRCh38, 1-based): chr19:13,312,726, C>T on the plus strand (G>A on the coding strand, the complement: CACNA1A is on the minus strand). VCF-style: chr19-13312726-C-T. GRCh37 (hg19) VCF-style: chr19-13423540-C-T.
Other names: c.1614G>A, p.Met538Ile (NM_000068.4, NM_001127221.2, NM_001174080.2 and 1 more transcripts); short protein forms M537I, M538I.
Identifiers: ClinVar variation 3391711 (VCV003391711.1).
Genomic context (GRCh38, chr19:13,312,726, plus strand): 5'-TACCCCACAGTCAAAGCAGTTGAAGGAAGAGTGGAAGTAAGGCCGCGTCCCAAGCCCGTA[C>T]ATTTTTATAAACATTTCGGACATAAAGAGTCCTAAGAAAATGAATTCTGCATAGTCTAGA-3'
Protein context (NP_001120694.1, residues 527-547): GLFMSEMFIK[Met537Ile]YGLGTRPYFH

ClinVar aggregate classification (germline): Uncertain significance (1 of 4 stars; one submission).

Submission:

GeneDx
Classification: Uncertain significance. Last evaluated: 2024-06-20. Review status: criteria provided, single submitter. Criteria: GeneDx Variant Classification Process June 2021. Collection method: clinical testing. Allele origin: germline. Affected: yes.
Comment: Not observed at significant frequency in large population cohorts (gnomAD); In silico analysis supports that this missense variant has a deleterious effect on protein structure/function; Has not been previously published as pathogenic or benign to our knowledge